The following is an entry in ClinVar:

NM_005591.4(MRE11):c.1068C>A (p.His356Gln)

Gene: MRE11 (MRE11 double strand break repair nuclease; minus strand). Cytogenetic location: 11q21.
Variant type: single nucleotide variant.
Coding change: c.1068C>A on transcript NM_005591.4 (MANE Select); coding-DNA position 1068, C replaced by A.
Protein change: p.His356Gln; replaces histidine 356 with glutamine.
Molecular consequence: missense variant.
Genome position (GRCh38, 1-based): chr11:94,467,843, G>T on the plus strand (C>A on the coding strand, the complement: MRE11 is on the minus strand). VCF-style: chr11-94467843-G-T. GRCh37 (hg19) VCF-style: chr11-94201009-G-T.
Other names: c.1068C>A, p.His356Gln (NM_001330347.2, NM_005590.4); short protein forms H356Q.
Identifiers: ClinVar variation 3874320 (VCV003874320.1).
Genomic context (GRCh38, chr11:94,467,843, plus strand): 5'-TAATATTCAATCTATATAAATAGGACTTACTCGCAGTCGTACAAGAGGCTTCTCTGGCTG[G>T]TGAGAATTACCCAGACGTTCCCGTTCAGCATTTTCAAGCATTTCTTCAATCTCAAAATTT-3'
Protein context (NP_005582.1, residues 346-366): NAERERLGNS[His356Gln]QPEKPLVRLR

ClinVar aggregate classification (germline): Uncertain significance (1 of 4 stars; one submission).

Conditions:
Hereditary cancer-predisposing syndrome. Also called: Tumor predisposition; Neoplastic Syndromes, Hereditary; Hereditary Cancer Syndrome; Hereditary neoplastic syndrome. Identifiers: Orphanet 140162, MedGen C0027672, MeSH D009386, MONDO:0015356.

Submission:

Ambry Genetics
Classification: Uncertain significance for Hereditary cancer-predisposing syndrome. Last evaluated: 2025-01-04. Review status: criteria provided, single submitter. Criteria: Ambry Variant Classification Scheme 2023. Collection method: clinical testing. Allele origin: germline.
Comment: The p.H356Q variant (also known as c.1068C>A), located in coding exon 9 of the MRE11A gene, results from a C to A substitution at nucleotide position 1068. The histidine at codon 356 is replaced by glutamine, an amino acid with highly similar properties. This amino acid position is conserved. In addition, this alteration is predicted to be tolerated by in silico analysis. Based on the available evidence, the clinical significance of this variant remains unclear.